The following is an entry in ClinVar:

ClinVar aggregate classification (germline): Uncertain significance. Review status: criteria provided, multiple submitters, no conflicts (2 of 4 stars). 2 submissions from 2 submitters: Uncertain significance (2). Last evaluated 2023-12-02.

Conditions:
Charcot-Marie-Tooth disease type 2. Also called: Charcot-Marie-Tooth type 2. Identifiers: Orphanet 64746, MedGen C0270914, MONDO:0018993.

Allele frequency attached by ClinVar (database versions not stated): gnomAD exomes below 0.00001; gnomAD 0.00001.
gnomAD v4.1: 2 of 1,614,086 alleles (0.00012%); highest among the groups gnomAD compares: Non-Finnish European, 0.000085%; no homozygotes.

Submissions (2):

ARUP Laboratories, Molecular Genetics and Genomics, ARUP Laboratories
Classification: Uncertain significance. Last evaluated: 2023-12-02. Review status: criteria provided, single submitter. Criteria: ARUP Molecular Germline Variant Investigation Process 2024. Collection method: clinical testing. Allele origin: germline.

Labcorp Genetics (formerly Invitae), Labcorp
Classification: Uncertain significance for Charcot-Marie-Tooth disease type 2. Last evaluated: 2022-06-09. Review status: criteria provided, single submitter. Criteria: Invitae Variant Classification Sherloc (09022015). Collection method: clinical testing. Allele origin: germline.
Comment: This variant is present in population databases (no rsID available, gnomAD 0.0009%). In summary, the available evidence is currently insufficient to determine the role of this variant in disease. Therefore, it has been classified as a Variant of Uncertain Significance. Algorithms developed to predict the effect of missense changes on protein structure and function are either unavailable or do not agree on the potential impact of this missense change (SIFT: "Tolerated"; PolyPhen-2: "Probably Damaging"; Align-GVGD: "Class C0"). ClinVar contains an entry for this variant (Variation ID: 993632). This variant has not been reported in the literature in individuals affected with AARS-related conditions. This sequence change replaces methionine, which is neutral and non-polar, with isoleucine, which is neutral and non-polar, at codon 826 of the AARS protein (p.Met826Ile).

NM_001605.3(AARS1):c.2478G>A (p.Met826Ile)

Gene: AARS1 (alanyl-tRNA synthetase 1; minus strand). Cytogenetic location: 16q22.1.
Variant type: single nucleotide variant.
Coding change: c.2478G>A on transcript NM_001605.3 (MANE Select); coding-DNA position 2478, G replaced by A.
Protein change: p.Met826Ile; replaces methionine 826 with isoleucine.
Molecular consequence: missense variant.
Genome position (GRCh38, 1-based): chr16:70,253,961, C>T on the plus strand (G>A on the coding strand, the complement: AARS1 is on the minus strand). VCF-style: chr16-70253961-C-T. GRCh37 (hg19) VCF-style: chr16-70287864-C-T.
Other names: short protein forms M826I.
Identifiers: ClinVar variation 993632 (VCV000993632.17), dbSNP rs1385044712, ClinGen allele CA396555295.
Genomic context (GRCh38, chr16:70,253,961, plus strand): 5'-GGTGCTGCCAGGACTCACTCGTTTCTGGACATCGGCTTTGCTGGCTCGGTCCAAGTCATC[C>T]ATGACCTTCTTTAGGGATTTGAGAGTCTCCCGCAATTCATCCTTCTGCCACTGGGGGATG-3'
Protein context (NP_001596.2, residues 816-836): RETLKSLKKV[Met826Ile]DDLDRASKAD